The following is an entry in ClinVar:

NM_000038.6(APC):c.6809C>G (p.Ser2270Cys)

Gene: APC (APC regulator of Wnt signaling pathway; plus strand). Cytogenetic location: 5q22.2.
Variant type: single nucleotide variant.
Coding change: c.6809C>G on transcript NM_000038.6 (MANE Select); coding-DNA position 6809, C replaced by G.
Protein change: p.Ser2270Cys; replaces serine 2270 with cysteine.
Molecular consequence: missense variant. On other transcripts: non-coding transcript variant (2).
Genome position (GRCh38, 1-based): chr5:112,842,403, C>G. VCF-style: chr5-112842403-C-G. GRCh37 (hg19) VCF-style: chr5-112178100-C-G.
Other names: c.6809C>G, p.Ser2270Cys (NM_001127510.3, NM_001354895.2, NM_001407450.1); c.6755C>G, p.Ser2252Cys (NM_001127511.3); c.6863C>G, p.Ser2288Cys (NM_001354896.2, NM_001407447.1, NM_001407448.1 and 1 more transcripts); c.6839C>G, p.Ser2280Cys (NM_001354897.2); c.6734C>G, p.Ser2245Cys (NM_001354898.2); c.6725C>G, p.Ser2242Cys (NM_001354899.2); c.6686C>G, p.Ser2229Cys (NM_001354900.2); c.6632C>G, p.Ser2211Cys (NM_001354901.2, NM_001407453.1); and 11 more; short protein forms S1987C, S2179C, S2270C, S2288C, S2298C, S2141C, S2144C, S2169C.
Identifiers: ClinVar variation 4584534 (VCV004584534.1).

ClinVar aggregate classification (germline): Uncertain significance (1 of 4 stars; one submission).

Conditions:
Hereditary cancer-predisposing syndrome. Also called: Neoplastic Syndromes, Hereditary; Tumor predisposition; Hereditary Cancer Syndrome; Hereditary neoplastic syndrome. Identifiers: Orphanet 140162, MedGen C0027672, MeSH D009386, MONDO:0015356.

gnomAD v4.1: 3 of 1,614,028 alleles (0.00019%); highest among the groups gnomAD compares: Non-Finnish European, 0.00025%; no homozygotes.

Submission:

Ambry Genetics
Classification: Uncertain significance for Hereditary cancer-predisposing syndrome. Last evaluated: 2025-10-17. Review status: criteria provided, single submitter. Criteria: Ambry Variant Classification Scheme 2023. Collection method: clinical testing. Allele origin: germline.
Comment: The p.S2270C variant (also known as c.6809C>G), located in coding exon 15 of the APC gene, results from a C to G substitution at nucleotide position 6809. The serine at codon 2270 is replaced by cysteine, an amino acid with dissimilar properties. This amino acid position is conserved. In addition, in silico predictors for this gene do not accurately predict pathogenicity. Based on the available evidence, the clinical significance of this variant remains unclear.